The following is an entry in ClinVar:

NM_001199397.3(NEK1):c.1066A>T (p.Arg356Trp)

Gene: NEK1 (NIMA related kinase 1; minus strand). Cytogenetic location: 4q33.
Variant type: single nucleotide variant.
Coding change: c.1066A>T on transcript NM_001199397.3 (MANE Select); coding-DNA position 1066, A replaced by T.
Protein change: p.Arg356Trp; replaces arginine 356 with tryptophan.
Molecular consequence: missense variant. On other transcripts: non-coding transcript variant (2).
Genome position (GRCh38, 1-based): chr4:169,562,151, T>A on the plus strand (A>T on the coding strand, the complement: NEK1 is on the minus strand). VCF-style: chr4-169562151-T-A. GRCh37 (hg19) VCF-style: chr4-170483302-T-A.
Other names: c.1066A>T, p.Arg356Trp (NM_001199398.3, NM_001199399.3, NM_001199400.3 and 7 more transcripts); short protein forms R356W.
Identifiers: ClinVar variation 2054964 (VCV002054964.4), dbSNP rs2546795124, ClinGen allele CA358734709.

ClinVar aggregate classification (germline): Uncertain significance (1 of 4 stars; one submission).

Conditions:
Short-rib thoracic dysplasia 6 with or without polydactyly (SRTD6). Also called: POLYDACTYLY WITH NEONATAL CHONDRODYSTROPHY, TYPE II; SHORT-RIB THORACIC DYSPLASIA 6 WITH POLYDACTYLY; SHORT RIB-POLYDACTYLY SYNDROME, TYPE IIA; Majewski Syndrome; SHORT-RIB THORACIC DYSPLASIA 6 WITHOUT POLYDACTYLY. Identifiers: MedGen C0024507, MONDO:0009894, OMIM 263520.

Allele frequency attached by ClinVar (database versions not stated): gnomAD exomes below 0.00001.
gnomAD v4.1: 2 of 1,544,498 alleles (0.00013%); highest among the groups gnomAD compares: Non-Finnish European, 0.00018%; no homozygotes.

Submission:

Labcorp Genetics (formerly Invitae), Labcorp
Classification: Uncertain significance for Short-rib thoracic dysplasia 6 with or without polydactyly. Last evaluated: 2022-11-15. Review status: criteria provided, single submitter. Criteria: Invitae Variant Classification Sherloc (09022015). Collection method: clinical testing. Allele origin: germline.
Comment: In summary, the available evidence is currently insufficient to determine the role of this variant in disease. Therefore, it has been classified as a Variant of Uncertain Significance. Advanced modeling of protein sequence and biophysical properties (such as structural, functional, and spatial information, amino acid conservation, physicochemical variation, residue mobility, and thermodynamic stability) performed at Invitae indicates that this missense variant is not expected to disrupt NEK1 protein function. This variant has not been reported in the literature in individuals affected with NEK1-related conditions. This variant is not present in population databases (gnomAD no frequency). This sequence change replaces arginine, which is basic and polar, with tryptophan, which is neutral and slightly polar, at codon 356 of the NEK1 protein (p.Arg356Trp).